The following is an entry in ClinVar:

ClinVar aggregate classification (germline): Pathogenic. Review status: criteria provided, multiple submitters, no conflicts (2 of 4 stars). 14 submissions from 14 submitters: Pathogenic (13). 1 of the submissions does not count toward it. Last evaluated 2026-03-11.

Conditions:
CPLANE1-related disorder. Also called: CPLANE1-related condition.
Orofaciodigital syndrome type 6 (OFD6). Also called: OROFACIODIGITAL SYNDROME VI; OFDS VI; POLYDACTYLY, CLEFT LIP/PALATE OR LINGUAL LUMP, AND PSYCHOMOTOR RETARDATION; VARADI SYNDROME; VARADI-PAPP SYNDROME; Oral-facial-digital syndrome type 6. Identifiers: Orphanet 2754, MedGen C2745997, MONDO:0010176, OMIM 277170.
Joubert syndrome 17 (JBTS17). Identifiers: Orphanet 475, MedGen C3553264, MONDO:0013824, OMIM 614615.
C5ORF42 & CPLANE1-related disorders.

Allele frequency attached by ClinVar (database versions not stated): gnomAD 0.00007; TOPMed 0.00012; ExAC 0.00014; gnomAD exomes 0.00015 and 0.00018; ESP Exome Variant Server 0.00016.

Submissions (14):

PreventionGenetics, part of Exact Sciences
Classification: Pathogenic for CPLANE1-related condition. Last evaluated: 2026-03-11. Review status: criteria provided, single submitter. Criteria: ACMG Guidelines, 2015. Collection method: clinical testing. Allele origin: germline.
Comment: The CPLANE1 c.493delA variant is predicted to result in a frameshift and premature protein termination (p.Ile165Tyrfs*17). This variant has been reported in individuals with Joubert syndrome (Kroes et al. 2015. PubMed ID: 25920555; Bachmann-Gagescu et al. 2015. PubMed ID: 26092869), individuals with orofacialdigital syndrome type VI (Lopez et al. 2014. PubMed ID: 24178751; Romani et al. 2015. PubMed ID: 25407461), and in one individual with Acrocallosal syndrome (Asadollahi et al. 2018. PubMed ID: 29321670). This variant has been reported in ~0.02% of alleles in individuals of European descent and individuals of Latino decent in gnomAD. Frameshift variants in CPLANE1 are expected to be pathogenic. This variant is classified as pathogenic.

Labcorp Genetics (formerly Invitae), Labcorp
Classification: Pathogenic. Last evaluated: 2025-11-03. Review status: criteria provided, single submitter. Criteria: Invitae Variant Classification Sherloc (09022015). Collection method: clinical testing. Allele origin: germline.
Comment: This sequence change creates a premature translational stop signal (p.Ile165Tyrfs*17) in the CPLANE1 gene. It is expected to result in an absent or disrupted protein product. Loss-of-function variants in CPLANE1 are known to be pathogenic (PMID: 24178751, 26092869). This variant is present in population databases (rs606231259, gnomAD 0.02%). This premature translational stop signal has been observed in individual(s) with Joubert syndrome and oral-facial-digital syndrome (PMID: 24178751, 25920555, 26092869, 28289185). ClinVar contains an entry for this variant (Variation ID: 157513). For these reasons, this variant has been classified as Pathogenic.

OLLIN Analises Genomicas, OLLIN
Classification: Pathogenic for Joubert syndrome 17. Last evaluated: 2025-08-14. Review status: criteria provided, single submitter. Criteria: ACMG Guidelines 2015 PMID 25741868. Collection method: clinical testing. Allele origin: germline. Affected: yes. Observed: 1 variant allele.
Comment: The frameshift variant (chr5:37244451AT>A), located in exon 5 (of 52), is reported in ClinVar (VCV000157513.28), in gnomAD v4.1 non-UKB with an allele frequency of 0.014% (no homozygotes), and in the scientific literature, also in compound heterozygosity, in individuals with Joubert syndrome (PMID: 25920555, 26092869, 28289185, 25407461, 29321670). This variant promotes a frameshift with subsequent introduction of a premature stop codon, resulting in a truncated protein or mRNA degradation via nonsense-mediated decay (NMD). According to currently available evidence, this variant has been classified as pathogenic (PVS1, PM2_P, PM3_VS).

Blueprint Genetics
Classification: Pathogenic for C5ORF42 & CPLANE1-related disorders. Last evaluated: 2024-03-26. Review status: criteria provided, single submitter. Criteria: ACMG Guidelines, 2015. Collection method: clinical testing. Allele origin: germline. Affected: yes. Observed: 5 variant alleles.

GeneDx
Classification: Pathogenic. Last evaluated: 2022-08-16. Review status: criteria provided, single submitter. Criteria: GeneDx Variant Classification Process June 2021. Collection method: clinical testing. Allele origin: germline. Affected: yes.
Comment: Frameshift variant predicted to result in protein truncation or nonsense mediated decay in a gene for which loss-of-function is a known mechanism of disease; This variant is associated with the following publications: (PMID: 25407461, 25920555, 29321670, 23523602, 24178751, 34426522, 26092869, 28289185)

Fulgent Genetics
Classification: Pathogenic for Orofaciodigital syndrome type 6; Joubert syndrome 17. Last evaluated: 2022-03-24. Review status: criteria provided, single submitter. Criteria: ACMG Guidelines, 2015. Collection method: clinical testing. Allele origin: unknown.

Victorian Clinical Genetics Services, Murdoch Childrens Research Institute
Classification: Pathogenic for Joubert syndrome 17. Last evaluated: 2022-02-02. Review status: criteria provided, single submitter. Criteria: ACMG Guidelines, 2015. Collection method: clinical testing. Allele origin: germline. Inheritance: Autosomal recessive inheritance. Affected: no.
Comment: Based on the classification scheme VCGS_Germline_v1.3.4, this variant is classified as Pathogenic. Following criteria are met: 0102 - Loss of function is a likely mechanism of disease in this gene and is associated with Joubert syndrome 17 (MIM#614615) and orofaciodigital syndrome VI (MIM#277170) (OMIM). (I) 0106 - This gene is associated with autosomal recessive disease. (I) 0201 - Variant is predicted to cause nonsense-mediated decay (NMD) and loss of protein (premature termination codon is located at least 54 nucleotides upstream of the final exon-exon junction). (SP) 0251 - This variant is heterozygous. (I) 0304 - Variant is present in gnomAD (v2) <0.01 for a recessive condition (25 heterozygotes, 0 homozygotes). (SP) 0701 - Other NMD-predicted variants comparable to the one identified in this case have very strong previous evidence for pathogenicity. Multiple NMD-predicted variants have been previously reported as pathogenic (ClinVar, Decipher) (SP) 0801 - This variant has strong previous evidence of pathogenicity in unrelated individuals. This variant has been reported in multiple individuals with Joubert syndrome and Orofaciodigital syndrome (ClinVar). (SP) 1208 - Inheritance information for this variant is not currently available in this individual. (I) Legend: (SP) - Supporting pathogenic, (I) - Information, (SB) - Supporting benign

Johns Hopkins Genomics, Johns Hopkins University
Classification: Pathogenic for Joubert syndrome 17. Last evaluated: 2020-10-27. Review status: criteria provided, single submitter. Criteria: ACMG Guidelines, 2015. Collection method: clinical testing. Allele origin: germline.
Comment: This CPLANE1 variant (rs968241708) is rare (<0.1%) in a large population dataset (25/188678 total alleles; 0.013%; no homozygotes) and has an entry in ClinVar. This variant has been reported previously in a compound heterozygous state in multiple unrelated individuals affected with JS or Oral-Facial-Digital syndrome (OFD). This frameshift variant results in a premature stop codon in exon 5 of 52 likely leading to nonsense-mediated decay and lack of protein production. We consider c.493delA to be pathogenic.

Institute of Human Genetics Munich, TUM University Hospital
Classification: Pathogenic for Joubert syndrome 17. Last evaluated: 2020-01-16. Review status: criteria provided, single submitter. Criteria: Classification criteria August 2017. Collection method: clinical testing. Allele origin: paternal. Inheritance: Autosomal recessive inheritance. Affected: yes. Observed: 1 compound heterozygote.

Rady Children's Institute for Genomic Medicine, Rady Children's Hospital San Diego
Classification: Pathogenic for JOUBERT SYNDROME 17. Last evaluated: 2019-08-07. Review status: criteria provided, single submitter. Criteria: ACMG Guidelines, 2015. Collection method: clinical testing. Allele origin: germline. Affected: yes.
Comment: This frameshifting variant in exon 5 of 52 introduces a premature stop codon and is therefore predicted to result in loss of normal protein function. This variant has been previously reported as a compound heterozygous change in patients with Joubert syndrome (PMID: 25920555, 26092869, 28289185, 25407461, 29321670), as well as in individuals affected with Oral-Facial-Digital syndrome (PMID: 24178751). ClinVar contains an entry for this variant (Variation ID: 157513). It is present in the heterozygous state in the gnomAD population database at a frequency of 0.013% (25/188678) and thus is presumed to be rare. Based on the available evidence, the c.493del (p.Ile165TyrfsTer17) variant is classified as Pathogenic.

Institute of Medical Genetics, University of Zurich
Classification: Pathogenic for Joubert syndrome 17. Last evaluated: 2017-05-18. Review status: criteria provided, single submitter. Criteria: ACMG Guidelines, 2015. Collection method: clinical testing. Allele origin: inherited. Affected: yes. Observed: 1 compound heterozygote.

Genetic Services Laboratory, University of Chicago
Classification: Pathogenic for Joubert syndrome 17. Last evaluated: 2015-06-12. Review status: criteria provided, single submitter. Criteria: ACMG Guidelines, 2015. Collection method: clinical testing. Allele origin: germline. Affected: yes.

UW Hindbrain Malformation Research Program, University of Washington
Classification: Pathogenic for Joubert syndrome 17. Last evaluated: 2015-02-23. Review status: criteria provided, single submitter. Criteria: Bachmann-Gagescu et al. (J Med Genet. 2015). Collection method: research. Allele origin: unknown. Affected: yes.

OMIM
Classification: Pathogenic for OROFACIODIGITAL SYNDROME VI. Last evaluated: 2014-03-01. Review status: no assertion criteria provided. Collection method: literature only. Allele origin: germline. Not counted in ClinVar's aggregate classification.

Literature cited by the submitters: PubMed 24178751 (cited by Labcorp Genetics (formerly Invitae), Labcorp and OMIM); PubMed 26092869 (cited by 3 submitters); PubMed 25920555 (cited by 3 submitters); PubMed 28289185 (cited by 3 submitters); PubMed 25407461 (cited by OLLIN Analises Genomicas, OLLIN); PubMed 29321670 (cited by OLLIN Analises Genomicas, OLLIN and Institute of Medical Genetics, University of Zurich); PubMed 22425360 (cited by Johns Hopkins Genomics, Johns Hopkins University); PubMed 23523602 (cited by OMIM).

NM_001384732.1(CPLANE1):c.493del (p.Ile165fs)

Gene: CPLANE1 (ciliogenesis and planar polarity effector complex subunit 1; minus strand). Cytogenetic location: 5p13.2.
Variant type: Deletion.
Coding change: c.493del on transcript NM_001384732.1 (MANE Select); coding-DNA position 493, one base deleted (A; older notation c.493delA).
Protein change: p.Ile165fs; shifts the reading frame from isoleucine 165.
Molecular consequence: frameshift variant.
Genome position (GRCh38, 1-based): chr5:37,244,452, T deleted on the plus strand (A on the coding strand, the reverse complement: CPLANE1 is on the minus strand). VCF-style (leftmost placement, unchanged base first): chr5-37244451-AT-A. GRCh37 (hg19) VCF-style: chr5-37244553-AT-A.
Other names: CPLANE1, 1-BP DEL, 493A; c.493delA (NM_023073.3); c.493del, p.Ile165fs (NM_023073.4).
Identifiers: ClinVar variation 157513 (VCV000157513.31), dbSNP rs606231259, ClinGen allele CA170945.